The following is an entry in ClinVar:

ClinVar aggregate classification (germline): Uncertain significance. Review status: criteria provided, multiple submitters, no conflicts (2 of 4 stars). 3 submissions from 3 submitters: Uncertain significance (3). Last evaluated 2026-02-27.

Conditions:
Cardiovascular phenotype. Identifiers: MedGen CN230736.
Hereditary cancer-predisposing syndrome. Also called: Neoplastic Syndromes, Hereditary; Tumor predisposition; Hereditary neoplastic syndrome; Hereditary Cancer Syndrome. Identifiers: Orphanet 140162, MedGen C0027672, MeSH D009386, MONDO:0015356.
Neurofibromatosis, type 1 (NF1). Also called: Peripheral type neurofibromatosis; Neurofibromatosis, type I; NEUROFIBROMATOSIS, TYPE I, SOMATIC; VON RECKLINGHAUSEN DISEASE. Identifiers: Orphanet 636, MedGen C0027831, MONDO:0018975, OMIM 162200. Disease mechanism: loss of function.
NF1-related disorder. Also called: NF1-related condition. Identifiers: MedGen CN379171.

Submissions (3):

PreventionGenetics, part of Exact Sciences
Classification: Uncertain significance for NF1-related condition. Last evaluated: 2026-02-27. Review status: criteria provided, single submitter. Criteria: ACMG Guidelines, 2015. Collection method: clinical testing. Allele origin: germline.
Comment: The NF1 c.2287C>G variant is predicted to result in the amino acid substitution p.Leu763Val. To our knowledge, this variant has not been reported in the literature or in a large population database (gnomAD), indicating it is rare. This variant is classified as uncertain in the ClinVar database (Variation ID: 649337). An alternate missense change impacting the same amino acid (p.Leu763Pro) has been reported to segregate with disease in a family with clinical characteristics consistent with a diagnosis of neurofibromatosis type 1 (Cai et al. 2005. PubMed ID: 16005615) as well as occurring apparently de novo (Valero et al. 2011. PubMed ID: 21354044). Although we suspect that the c.2287C>G (p.Leu763Val) variant may be pathogenic, at this time, the clinical significance of this variant is uncertain due to the absence of conclusive functional and genetic evidence.

Labcorp Genetics (formerly Invitae), Labcorp
Classification: Uncertain significance for Neurofibromatosis, type 1. Last evaluated: 2022-10-13. Review status: criteria provided, single submitter. Criteria: Invitae Variant Classification Sherloc (09022015). Collection method: clinical testing. Allele origin: germline.
Comment: This sequence change replaces leucine, which is neutral and non-polar, with valine, which is neutral and non-polar, at codon 763 of the NF1 protein (p.Leu763Val). This variant is not present in population databases (gnomAD no frequency). This variant has not been reported in the literature in individuals affected with NF1-related conditions. ClinVar contains an entry for this variant (Variation ID: 649337). Advanced modeling of protein sequence and biophysical properties (such as structural, functional, and spatial information, amino acid conservation, physicochemical variation, residue mobility, and thermodynamic stability) performed at Invitae indicates that this missense variant is expected to disrupt NF1 protein function. This variant disrupts the p.Leu763 amino acid residue in NF1. Other variant(s) that disrupt this residue have been determined to be pathogenic (PMID: 10712197, 16005615, 21354044). This suggests that this residue is clinically significant, and that variants that disrupt this residue are likely to be disease-causing. In summary, the available evidence is currently insufficient to determine the role of this variant in disease. Therefore, it has been classified as a Variant of Uncertain Significance.

Ambry Genetics
Classification: Uncertain significance for Cardiovascular phenotype; Hereditary cancer-predisposing syndrome. Last evaluated: 2022-01-25. Review status: criteria provided, single submitter. Criteria: Ambry Variant Classification Scheme 2023. Collection method: clinical testing. Allele origin: germline.
Comment: The p.L763V variant (also known as c.2287C>G), located in coding exon 19 of the NF1 gene, results from a C to G substitution at nucleotide position 2287. The leucine at codon 763 is replaced by valine, an amino acid with highly similar properties. This amino acid position is highly conserved in available vertebrate species. In addition, this alteration is predicted to be deleterious by in silico analysis. Since supporting evidence is limited at this time, the clinical significance of this alteration remains unclear.

Literature cited by the submitters: PubMed 10712197 (cited by Labcorp Genetics (formerly Invitae), Labcorp); PubMed 16005615 (cited by Labcorp Genetics (formerly Invitae), Labcorp); PubMed 21354044 (cited by Labcorp Genetics (formerly Invitae), Labcorp).

NM_001042492.3(NF1):c.2287C>G (p.Leu763Val)

Gene: NF1 (neurofibromin 1; plus strand). Cytogenetic location: 17q11.2.
Variant type: single nucleotide variant.
Coding change: c.2287C>G on transcript NM_001042492.3 (MANE Select); coding-DNA position 2287, C replaced by G.
Protein change: p.Leu763Val; replaces leucine 763 with valine.
Molecular consequence: missense variant.
Genome position (GRCh38, 1-based): chr17:31,227,253, C>G. VCF-style: chr17-31227253-C-G. GRCh37 (hg19) VCF-style: chr17-29554271-C-G.
Other names: c.2287C>G, p.Leu763Val (NM_000267.4); short protein forms L763V.
Identifiers: ClinVar variation 649337 (VCV000649337.6), dbSNP rs1597713340, ClinGen allele CA398982798.